The following is an entry in ClinVar:

NM_001378418.1(TCF20):c.2649C>G (p.His883Gln)

Gene: TCF20 (transcription factor 20; minus strand). Cytogenetic location: 22q13.2.
Variant type: single nucleotide variant.
Coding change: c.2649C>G on transcript NM_001378418.1 (MANE Select); coding-DNA position 2649, C replaced by G.
Protein change: p.His883Gln; replaces histidine 883 with glutamine.
Molecular consequence: missense variant.
Genome position (GRCh38, 1-based): chr22:42,212,657, G>C on the plus strand (C>G on the coding strand, the complement: TCF20 is on the minus strand). VCF-style: chr22-42212657-G-C. GRCh37 (hg19) VCF-style: chr22-42608663-G-C.
Other names: c.2649C>G, p.His883Gln (NM_005650.4, NM_181492.3); short protein forms H883Q.
Identifiers: ClinVar variation 3623782 (VCV003623782.2).

ClinVar aggregate classification (germline): Uncertain significance (1 of 4 stars; one submission).

gnomAD v4.1: 3 of 1,614,208 alleles (0.00019%); highest among the groups gnomAD compares: Admixed American, 0.005%; no homozygotes.

Submission:

Labcorp Genetics (formerly Invitae), Labcorp
Classification: Uncertain significance. Last evaluated: 2024-03-08. Review status: criteria provided, single submitter. Criteria: Invitae Variant Classification Sherloc (09022015). Collection method: clinical testing. Allele origin: germline.
Comment: This sequence change replaces histidine, which is basic and polar, with glutamine, which is neutral and polar, at codon 883 of the TCF20 protein (p.His883Gln). This variant is present in population databases (rs757214475, gnomAD 0.009%). This variant has not been reported in the literature in individuals affected with TCF20-related conditions. An algorithm developed to predict the effect of missense changes on protein structure and function (PolyPhen-2) suggests that this variant is likely to be disruptive. In summary, the available evidence is currently insufficient to determine the role of this variant in disease. Therefore, it has been classified as a Variant of Uncertain Significance.